The following is an entry in ClinVar:

ClinVar aggregate classification (germline): Uncertain significance. Review status: criteria provided, multiple submitters, no conflicts (2 of 4 stars). 3 submissions from 3 submitters: Uncertain significance (2). 1 of the submissions does not count toward it. Last evaluated 2025-11-18.

Conditions:
PKD1L1-related disorder. Also called: PKD1L1-related condition.

Allele frequency attached by ClinVar (database versions not stated): 1000 Genomes Project 0.00040; TOPMed 0.00073; ESP Exome Variant Server 0.00108; 1000 Genomes Project 30x 0.00047; gnomAD 0.00080; gnomAD exomes 0.00110; ExAC 0.00118.

Submissions (3):

GeneDx
Classification: Uncertain significance. Last evaluated: 2025-11-18. Review status: criteria provided, single submitter. Criteria: GeneDx Variant Classification Process June 2021. Collection method: clinical testing. Allele origin: germline. Affected: yes.
Comment: In silico analysis suggests that this missense variant does not alter protein structure/function; Has not been previously published as pathogenic or benign to our knowledge

Labcorp Genetics (formerly Invitae), Labcorp
Classification: Uncertain significance. Last evaluated: 2024-06-29. Review status: criteria provided, single submitter. Criteria: Invitae Variant Classification Sherloc (09022015). Collection method: clinical testing. Allele origin: germline.
Comment: This sequence change replaces arginine, which is basic and polar, with glutamine, which is neutral and polar, at codon 874 of the PKD1L1 protein (p.Arg874Gln). This variant is present in population databases (rs147468517, gnomAD 0.2%), and has an allele count higher than expected for a pathogenic variant. This variant has not been reported in the literature in individuals affected with PKD1L1-related conditions. ClinVar contains an entry for this variant (Variation ID: 2043796). Advanced modeling of protein sequence and biophysical properties (such as structural, functional, and spatial information, amino acid conservation, physicochemical variation, residue mobility, and thermodynamic stability) performed at Invitae indicates that this missense variant is not expected to disrupt PKD1L1 protein function with a negative predictive value of 80%. In summary, the available evidence is currently insufficient to determine the role of this variant in disease. Therefore, it has been classified as a Variant of Uncertain Significance.

PreventionGenetics, part of Exact Sciences
Classification: Likely benign for PKD1L1-related condition. Last evaluated: 2022-04-05. Review status: no assertion criteria provided. Collection method: clinical testing. Allele origin: germline. Not counted in ClinVar's aggregate classification.
Comment: This variant is classified as likely benign based on ACMG/AMP sequence variant interpretation guidelines (Richards et al. 2015 PMID: 25741868, with internal and published modifications).

NM_138295.5(PKD1L1):c.2621G>A (p.Arg874Gln)

Gene: PKD1L1 (polycystin 1 like 1, transient receptor potential channel interacting; minus strand). Cytogenetic location: 7p12.3.
Variant type: single nucleotide variant.
Coding change: c.2621G>A on transcript NM_138295.5 (MANE Select); coding-DNA position 2621, G replaced by A.
Protein change: p.Arg874Gln; replaces arginine 874 with glutamine.
Molecular consequence: missense variant.
Genome position (GRCh38, 1-based): chr7:47,890,596, C>T on the plus strand (G>A on the coding strand, the complement: PKD1L1 is on the minus strand). VCF-style: chr7-47890596-C-T. GRCh37 (hg19) VCF-style: chr7-47930194-C-T.
Other names: c.2621G>A (NM_138295.3); short protein forms R874Q.
Identifiers: ClinVar variation 2043796 (VCV002043796.7), dbSNP rs147468517, ClinGen allele CA4253680.
Genomic context (GRCh38, chr7:47,890,596, plus strand): 5'-AGGTACCTGAACGCCGAGTCAGGGTAGGGGGACAGGAACACCCGGGTCTCAGAAGAGTTC[C>T]GGCCACCACTGGAGACCCTCAGCATCACAAGGAACTGATCATAGCTGTCACTGAGCCATT-3'
Protein context (NP_612152.1, residues 864-884): LVMLRVSSGG[Arg874Gln]NSSETRVFLS